The following is an entry in ClinVar:

NM_001164508.2(NEB):c.10738_10742del (p.Gly3580fs)

Gene: NEB (nebulin; minus strand). Cytogenetic location: 2q23.3.
Variant type: Deletion.
Coding change: c.10738_10742del on transcript NM_001164508.2 (MANE Select); coding-DNA positions 10738 to 10742, 5 bases deleted (GGTAT; older notation c.10738_10742delGGTAT).
Protein change: p.Gly3580fs; shifts the reading frame from glycine 3580.
Molecular consequence: frameshift variant.
Genome position (GRCh38, 1-based): chr2:151,619,581-151,619,585, ATACC deleted on the plus strand (GGTAT on the coding strand, the reverse complement: NEB is on the minus strand); deleting any 5 consecutive bases within chr2:151,619,581-151,619,586 gives the same sequence; the c. name uses the placement nearest the transcript's 3' end. VCF-style (leftmost placement, unchanged base first): chr2-151619580-GATACC-G. GRCh37 (hg19) VCF-style: chr2-152476094-GATACC-G.
Other names: c.10738_10742del, p.Gly3580fs (NM_001164507.2, NM_001271208.2); c.10009_10013del, p.Gly3337fs (NM_004543.5); short protein forms G3337fs, G3580fs.
Identifiers: ClinVar variation 1725772 (VCV001725772.2), dbSNP rs2552232772, ClinGen allele CA2580063951.
Genomic context (GRCh38, chr2:151,619,580, plus strand): 5'-ATGCAGAGGATGTTTATAGTCCACATCGCTGACCAAGGTCTGACACTTCTTGGCCAAAAC[GATACC>G]AAGCATGTCCACTGGGCTGCTGTACCTTGTCTTGTATTTCTCAAAATCTTTCTTGTACTC-3'

ClinVar aggregate classification (germline): Likely pathogenic (1 of 4 stars; one submission).

Conditions:
Nemaline myopathy 2 (NEM2). Also called: Nemaline myopathy 2, autosomal recessive. Identifiers: MedGen C1850569, MONDO:0009725, OMIM 256030.

Submission:

Myriad Genetics, Inc.
Classification: Likely pathogenic for Nemaline myopathy 2. Last evaluated: 2022-03-31. Review status: criteria provided, single submitter. Criteria: Myriad Women's Health Autosomal Recessive and X-Linked Classification Criteria (2021). Collection method: clinical testing. Allele origin: unknown.
Comment: NM_001271208.1(NEB):c.10738_10742del5(G3580Rfs*16) is expected to be pathogenic in the context of NEB-related nemaline myopathy. This variant is predicted to lead to an abnormal or absent protein product due to the creation of a premature termination codon in NEB, a gene where loss-of-function variants are known to be pathogenic. Please note: this variant was assessed in the context of healthy population screening.